The following is an entry in ClinVar:

ClinVar aggregate classification (germline): Uncertain significance (1 of 4 stars; one submission).

Submission:

Labcorp Genetics (formerly Invitae), Labcorp
Classification: Uncertain significance. Last evaluated: 2023-05-02. Review status: criteria provided, single submitter. Criteria: Invitae Variant Classification Sherloc (09022015). Collection method: clinical testing. Allele origin: germline.
Comment: This variant is not present in population databases (gnomAD no frequency). This variant has not been reported in the literature in individuals affected with ALPK1-related conditions. This sequence change replaces leucine, which is neutral and non-polar, with phenylalanine, which is neutral and non-polar, at codon 216 of the ALPK1 protein (p.Leu216Phe). Advanced modeling of protein sequence and biophysical properties (such as structural, functional, and spatial information, amino acid conservation, physicochemical variation, residue mobility, and thermodynamic stability) performed at Invitae indicates that this missense variant is expected to disrupt ALPK1 protein function. In summary, the available evidence is currently insufficient to determine the role of this variant in disease. Therefore, it has been classified as a Variant of Uncertain Significance.

NM_025144.4(ALPK1):c.648A>T (p.Leu216Phe)

Gene: ALPK1 (alpha kinase 1; plus strand). Cytogenetic location: 4q25.
Variant type: single nucleotide variant.
Coding change: c.648A>T on transcript NM_025144.4 (MANE Select); coding-DNA position 648, A replaced by T.
Protein change: p.Leu216Phe; replaces leucine 216 with phenylalanine.
Molecular consequence: missense variant.
Genome position (GRCh38, 1-based): chr4:112,426,492, A>T. VCF-style: chr4-112426492-A-T. GRCh37 (hg19) VCF-style: chr4-113347648-A-T.
Other names: c.648A>T, p.Leu216Phe (NM_001102406.2); c.414A>T, p.Leu138Phe (NM_001253884.2); short protein forms L138F, L216F.
Identifiers: ClinVar variation 2861824 (VCV002861824.3), dbSNP rs774736075, ClinGen allele CA357888076.